The following is an entry in ClinVar:

NM_001371986.1(UNC80):c.5642_5657dup (p.Glu1887fs)

Gene: UNC80 (unc-80 subunit of NALCN channel complex; plus strand). Cytogenetic location: 2q34.
Variant type: Duplication.
Coding change: c.5642_5657dup on transcript NM_001371986.1 (MANE Select); coding-DNA positions 5642 to 5657, 16 bases duplicated (GTTCAGCCGTCAGTGC).
Protein change: p.Glu1887fs; shifts the reading frame from glutamic acid 1887.
Molecular consequence: frameshift variant.
Genome position (GRCh38, 1-based): chr2:209,922,363-209,922,378, GTTCAGCCGTCAGTGC duplicated; duplicating any 16 consecutive bases within chr2:209,922,355-209,922,378 gives the same sequence; the c. name uses the placement nearest the transcript's 3' end. VCF-style (leftmost placement, unchanged base first): chr2-209922354-G-GGTCAGTGCGTTCAGCC. GRCh37 (hg19) VCF-style: chr2-210787078-G-GGTCAGTGCGTTCAGCC.
Other names: c.5444_5459dup, p.Glu1821fs (NM_032504.2); c.5429_5444dup, p.Glu1816fs (NM_182587.4); short protein forms E1821fs, E1887fs, E1816fs.
Identifiers: ClinVar variation 2772183 (VCV002772183.3), dbSNP rs2471134516, ClinGen allele CA2697550326.

ClinVar aggregate classification (germline): Pathogenic (1 of 4 stars; one submission).

Submission:

Labcorp Genetics (formerly Invitae), Labcorp
Classification: Pathogenic. Last evaluated: 2023-11-06. Review status: criteria provided, single submitter. Criteria: Invitae Variant Classification Sherloc (09022015). Collection method: clinical testing. Allele origin: germline.
Comment: This sequence change creates a premature translational stop signal (p.Glu1821Phefs*6) in the UNC80 gene. It is expected to result in an absent or disrupted protein product. Loss-of-function variants in UNC80 are known to be pathogenic (PMID: 26545877, 26708751, 26708753). This variant is not present in population databases (gnomAD no frequency). This variant has not been reported in the literature in individuals affected with UNC80-related conditions. For these reasons, this variant has been classified as Pathogenic.

Literature cited by the submitters: PubMed 26545877; PubMed 26708751; PubMed 26708753.